The following is an entry in ClinVar:

NM_006734.4(HIVEP2):c.4880C>G (p.Thr1627Arg)

Gene: HIVEP2 (HIVEP zinc finger 2; minus strand). Cytogenetic location: 6q24.2.
Variant type: single nucleotide variant.
Coding change: c.4880C>G on transcript NM_006734.4 (MANE Select); coding-DNA position 4880, C replaced by G.
Protein change: p.Thr1627Arg; replaces threonine 1627 with arginine.
Molecular consequence: missense variant.
Genome position (GRCh38, 1-based): chr6:142,769,859, G>C on the plus strand (C>G on the coding strand, the complement: HIVEP2 is on the minus strand). VCF-style: chr6-142769859-G-C. GRCh37 (hg19) VCF-style: chr6-143090996-G-C.
Other names: short protein forms T1627R.
Identifiers: ClinVar variation 2713801 (VCV002713801.4), dbSNP rs772827582, ClinGen allele CA365897607.

ClinVar aggregate classification (germline): Uncertain significance. Review status: criteria provided, multiple submitters, no conflicts (2 of 4 stars). 2 submissions from 2 submitters: Uncertain significance (2). Last evaluated 2025-04-12.

gnomAD v4.1: 29 of 1,614,030 alleles (0.0018%); highest among the groups gnomAD compares: Non-Finnish European, 0.0023%; no homozygotes.

Submissions (2):

Labcorp Genetics (formerly Invitae), Labcorp
Classification: Uncertain significance. Last evaluated: 2025-04-12. Review status: criteria provided, single submitter. Criteria: Invitae Variant Classification Sherloc (09022015). Collection method: clinical testing. Allele origin: germline.
Comment: This sequence change replaces threonine, which is neutral and polar, with arginine, which is basic and polar, at codon 1627 of the HIVEP2 protein (p.Thr1627Arg). This variant is present in population databases (no rsID available, gnomAD 0.004%). This variant has not been reported in the literature in individuals affected with HIVEP2-related conditions. ClinVar contains an entry for this variant (Variation ID: 2713801). Invitae Evidence Modeling of protein sequence and biophysical properties (such as structural, functional, and spatial information, amino acid conservation, physicochemical variation, residue mobility, and thermodynamic stability) indicates that this missense variant is not expected to disrupt HIVEP2 protein function with a negative predictive value of 80%. In summary, the available evidence is currently insufficient to determine the role of this variant in disease. Therefore, it has been classified as a Variant of Uncertain Significance.

Women's Health and Genetics/Laboratory Corporation of America, LabCorp
Classification: Uncertain significance. Last evaluated: 2024-06-20. Review status: criteria provided, single submitter. Criteria: LabCorp Variant Classification Summary - May 2015. Collection method: clinical testing. Allele origin: germline.
Comment: Variant summary: HIVEP2 c.4880C>G (p.Thr1627Arg) results in a non-conservative amino acid change in the encoded protein sequence. Three of five in-silico tools predict a damaging effect of the variant on protein function. The variant allele was found at a frequency of 1.6e-05 in 249468 control chromosomes (gnomAD). The available data on variant occurrences in the general population are insufficient to allow any conclusion about variant significance. To our knowledge, no occurrence of c.4880C>G in individuals affected with Intellectual Disability, Autosomal Dominant 43 and no experimental evidence demonstrating its impact on protein function have been reported. ClinVar contains an entry for this variant (Variation ID: 2713801). Based on the evidence outlined above, the variant was classified as uncertain significance.